The following is an entry in ClinVar:

ClinVar aggregate classification (germline): Uncertain significance (1 of 4 stars; one submission).

Allele frequency attached by ClinVar (database versions not stated): gnomAD exomes below 0.00001.

Submission:

Labcorp Genetics (formerly Invitae), Labcorp
Classification: Uncertain significance. Last evaluated: 2022-08-05. Review status: criteria provided, single submitter. Criteria: Invitae Variant Classification Sherloc (09022015). Collection method: clinical testing. Allele origin: germline.
Comment: This variant has not been reported in the literature in individuals affected with ANKZF1-related conditions. This variant is not present in population databases (gnomAD no frequency). This sequence change replaces proline, which is neutral and non-polar, with serine, which is neutral and polar, at codon 65 of the ANKZF1 protein (p.Pro65Ser). Algorithms developed to predict the effect of missense changes on protein structure and function output the following: SIFT: "Tolerated"; PolyPhen-2: "Benign"; Align-GVGD: "Class C0". The serine amino acid residue is found in multiple mammalian species, which suggests that this missense change does not adversely affect protein function. In summary, the available evidence is currently insufficient to determine the role of this variant in disease. Therefore, it has been classified as a Variant of Uncertain Significance.

NM_018089.3(ANKZF1):c.193C>T (p.Pro65Ser)

Gene: ANKZF1 (ankyrin repeat and zinc finger peptidyl tRNA hydrolase 1; plus strand). Cytogenetic location: 2q35.
Variant type: single nucleotide variant.
Coding change: c.193C>T on transcript NM_018089.3 (MANE Select); coding-DNA position 193, C replaced by T.
Protein change: p.Pro65Ser; replaces proline 65 with serine.
Molecular consequence: missense variant. On other transcripts: intron variant (1).
Genome position (GRCh38, 1-based): chr2:219,231,972, C>T. VCF-style: chr2-219231972-C-T. GRCh37 (hg19) VCF-style: chr2-220096694-C-T.
Other names: c.193C>T, p.Pro65Ser (NM_001042410.2); c.-266-518C>T (NM_001282792.2); short protein forms P65S.
Identifiers: ClinVar variation 1962208 (VCV001962208.5), dbSNP rs2544911277, ClinGen allele CA350672078.
Genomic context (GRCh38, chr2:219,231,972, plus strand): 5'-CTCTTCCCTTATTTAGGCTCAGGGGAGAGAGAAAGCCCAGAAAGAAAGCTACTCCAGGGT[C>T]CTATGGATATTTCAGAGAAGTTATTTTGTTCAACTTGTGACCAGACCTTCCAGAACCACC-3'
Protein context (NP_060559.2, residues 55-75): ESPERKLLQG[Pro65Ser]MDISEKLFCS